The following is an entry in ClinVar:

ClinVar aggregate classification (germline): Uncertain significance (1 of 4 stars; one submission).

Conditions:
Multiple endocrine neoplasia, type 2 (MEN2). Identifiers: Orphanet 653, MedGen C4048306, MONDO:0019003. Disease mechanism: gain of function.

Submission:

Labcorp Genetics (formerly Invitae), Labcorp
Classification: Uncertain significance for Multiple endocrine neoplasia, type 2. Last evaluated: 2020-08-06. Review status: criteria provided, single submitter. Criteria: Invitae Variant Classification Sherloc (09022015). Collection method: clinical testing. Allele origin: germline.
Comment: This sequence change replaces alanine with glycine at codon 1019 of the RET protein (p.Ala1019Gly). The alanine residue is highly conserved and there is a small physicochemical difference between alanine and glycine. In summary, the available evidence is currently insufficient to determine the role of this variant in disease. Therefore, it has been classified as a Variant of Uncertain Significance. Algorithms developed to predict the effect of missense changes on protein structure and function are either unavailable or do not agree on the potential impact of this missense change (SIFT: "Tolerated"; PolyPhen-2: "Possibly Damaging"; Align-GVGD: "Class C0"). This variant has not been reported in the literature in individuals with RET-related conditions. This variant is not present in population databases (ExAC no frequency).

NM_020975.6(RET):c.3056C>G (p.Ala1019Gly)

Gene: RET (ret proto-oncogene; plus strand). Cytogenetic location: 10q11.21.
Variant type: single nucleotide variant.
Coding change: c.3056C>G on transcript NM_020975.6 (MANE Select); coding-DNA position 3056, C replaced by G.
Protein change: p.Ala1019Gly; replaces alanine 1019 with glycine.
Molecular consequence: missense variant.
Genome position (GRCh38, 1-based): chr10:43,126,591, C>G. VCF-style: chr10-43126591-C-G. GRCh37 (hg19) VCF-style: chr10-43622039-C-G.
Other names: c.3056C>G, p.Ala1019Gly (NM_000323.2, NM_001406743.1, NM_001406744.1 and 4 more transcripts); c.2294C>G, p.Ala765Gly (NM_001355216.2); c.2927C>G, p.Ala976Gly (NM_001406761.1, NM_001406762.1, NM_001406764.1); c.2921C>G, p.Ala974Gly (NM_001406763.1, NM_001406765.1); c.2768C>G, p.Ala923Gly (NM_001406766.1, NM_001406767.1, NM_001406770.1); c.2792C>G, p.Ala931Gly (NM_001406768.1); c.2660C>G, p.Ala887Gly (NM_001406769.1, NM_001406772.1); c.2618C>G, p.Ala873Gly (NM_001406771.1, NM_001406773.1); and 10 more; short protein forms A1019G, A765G, A974G, A976G, A624G, A675G, A689G, A873G.
Identifiers: ClinVar variation 1054885 (VCV001054885.10), dbSNP rs1371891301, ClinGen allele CA376558302.